The following is an entry in ClinVar:

NM_198586.3(NHLRC1):c.107G>C (p.Arg36Pro)

Gene: NHLRC1 (NHL repeat containing E3 ubiquitin protein ligase 1; minus strand). Cytogenetic location: 6p22.3.
Variant type: single nucleotide variant.
Coding change: c.107G>C on transcript NM_198586.3 (MANE Select); coding-DNA position 107, G replaced by C.
Protein change: p.Arg36Pro; replaces arginine 36 with proline.
Molecular consequence: missense variant.
Genome position (GRCh38, 1-based): chr6:18,122,500, C>G on the plus strand (G>C on the coding strand, the complement: NHLRC1 is on the minus strand). VCF-style: chr6-18122500-C-G. GRCh37 (hg19) VCF-style: chr6-18122731-C-G.
Other names: short protein forms R36P.
Identifiers: ClinVar variation 571831 (VCV000571831.11), dbSNP rs764691077, ClinGen allele CA3650043.

ClinVar aggregate classification (germline): Uncertain significance. Review status: criteria provided, multiple submitters, no conflicts (2 of 4 stars). 3 submissions from 3 submitters: Uncertain significance (3). Last evaluated 2025-08-29.

Conditions:
Inborn genetic diseases. Identifiers: MedGen C0950123, MeSH D030342.
Lafora disease. Also called: Epilepsy progressive myoclonic 2. Identifiers: Orphanet 501, MedGen C0751783, MONDO:0009697.

Allele frequency attached by ClinVar (database versions not stated): ExAC 0.00006; TOPMed 0.00009.
gnomAD v4.1: 41 of 1,597,278 alleles (0.0026%); highest among the groups gnomAD compares: Middle Eastern, 0.051%; no homozygotes.

Submissions (3):

Ambry Genetics
Classification: Uncertain significance for Inborn genetic diseases. Last evaluated: 2025-08-29. Review status: criteria provided, single submitter. Criteria: Ambry Variant Classification Scheme 2023. Collection method: clinical testing. Allele origin: germline.

GeneDx
Classification: Uncertain significance. Last evaluated: 2025-01-25. Review status: criteria provided, single submitter. Criteria: GeneDx Variant Classification Process June 2021. Collection method: clinical testing. Allele origin: germline. Affected: yes.
Comment: In silico analysis indicates that this missense variant does not alter protein structure/function; Has not been previously published as pathogenic or benign to our knowledge

Labcorp Genetics (formerly Invitae), Labcorp
Classification: Uncertain significance for Lafora disease. Last evaluated: 2022-08-23. Review status: criteria provided, single submitter. Criteria: Invitae Variant Classification Sherloc (09022015). Collection method: clinical testing. Allele origin: germline.
Comment: This sequence change replaces arginine, which is basic and polar, with proline, which is neutral and non-polar, at codon 36 of the NHLRC1 protein (p.Arg36Pro). This variant is present in population databases (rs764691077, gnomAD 0.04%). This variant has not been reported in the literature in individuals affected with NHLRC1-related conditions. ClinVar contains an entry for this variant (Variation ID: 571831). Algorithms developed to predict the effect of missense changes on protein structure and function (SIFT, PolyPhen-2, Align-GVGD) all suggest that this variant is likely to be tolerated. In summary, the available evidence is currently insufficient to determine the role of this variant in disease. Therefore, it has been classified as a Variant of Uncertain Significance.